The following is an entry in ClinVar:

ClinVar aggregate classification (germline): Uncertain significance (1 of 4 stars; one submission).

Conditions:
Malignant hyperthermia, susceptibility to, 1 (MHS1). Also called: RYR1-Related Malignant Hyperthermia Susceptibility; Anesthesia related hyperthermia; Malignant hyperpyrexia; Fulminating hyperpyrexia; Pharmacogenic myopathy; Malignant hyperthermia suceptibility 1. Identifiers: Orphanet 423, MedGen C2930980, MONDO:0007783, OMIM 145600.

Allele frequency attached by ClinVar (database versions not stated): gnomAD exomes below 0.00001.

Submission:

All of Us Research Program, National Institutes of Health
Classification: Uncertain significance for Malignant hyperthermia, susceptibility to, 1. Last evaluated: 2023-03-09. Review status: criteria provided, single submitter. Criteria: ACMG Guidelines, 2015. Collection method: clinical testing. Allele origin: germline. Inheritance: Autosomal dominant inheritance. Observed: 1 variant allele, 1 heterozygote.
Comment: This variant is located in the 3' untranslated region of the RYR1 protein. To our knowledge, functional studies have not been reported for this variant. This variant has not been reported in individuals affected with RYR1-related disorders in the literature. This variant has not been identified in the general population by the Genome Aggregation Database (gnomAD). The available evidence is insufficient to determine the role of this variant in disease conclusively. Therefore, this variant is classified as a Variant of Uncertain Significance.

This study involves interpretation of variants in research participants for the purpose of population health screening. Participant phenotype was not available at the time of variant classification. Additional details can be found in publication PMID: 35346344, PMCID: PMC8962531

NM_000540.3(RYR1):c.*3C>T

Gene: RYR1 (ryanodine receptor 1; plus strand). Cytogenetic location: 19q13.2.
Variant type: single nucleotide variant.
Coding change: c.*3C>T on transcript NM_000540.3 (MANE Select); 3 bases downstream of the stop codon, C replaced by T.
Molecular consequence: 3 prime UTR variant.
Genome position (GRCh38, 1-based): chr19:38,587,423, C>T. VCF-style: chr19-38587423-C-T. GRCh37 (hg19) VCF-style: chr19-39078063-C-T.
Other names: c.*3C>T (NM_001042723.2).
Identifiers: ClinVar variation 3069803 (VCV003069803.1), dbSNP rs1974548150, ClinGen allele CA2584911813.